The following is an entry in ClinVar:

ClinVar aggregate classification (germline): Uncertain significance (1 of 4 stars; one submission).

Submission:

Labcorp Genetics (formerly Invitae), Labcorp
Classification: Uncertain significance. Last evaluated: 2024-05-04. Review status: criteria provided, single submitter. Criteria: Invitae Variant Classification Sherloc (09022015). Collection method: clinical testing. Allele origin: germline.
Comment: This sequence change replaces glutamic acid, which is acidic and polar, with glutamine, which is neutral and polar, at codon 153 of the AUTS2 protein (p.Glu153Gln). This variant is present in population databases (no rsID available, gnomAD 0.0009%). This variant has not been reported in the literature in individuals affected with AUTS2-related conditions. An algorithm developed to predict the effect of missense changes on protein structure and function (PolyPhen-2) suggests that this variant is likely to be disruptive. In summary, the available evidence is currently insufficient to determine the role of this variant in disease. Therefore, it has been classified as a Variant of Uncertain Significance.

NM_015570.4(AUTS2):c.457G>C (p.Glu153Gln)

Gene: AUTS2 (activator of transcription and developmental regulator AUTS2; plus strand). Cytogenetic location: 7q11.22.
Variant type: single nucleotide variant.
Coding change: c.457G>C on transcript NM_015570.4 (MANE Select); coding-DNA position 457, G replaced by C.
Protein change: p.Glu153Gln; replaces glutamic acid 153 with glutamine.
Molecular consequence: missense variant.
Genome position (GRCh38, 1-based): chr7:69,899,433, G>C. VCF-style: chr7-69899433-G-C. GRCh37 (hg19) VCF-style: chr7-69364419-G-C.
Other names: c.457G>C, p.Glu153Gln (NM_001127231.3, NM_001127232.3); short protein forms E153Q.
Identifiers: ClinVar variation 3711454 (VCV003711454.2).
Genomic context (GRCh38, chr7:69,899,433, plus strand): 5'-TTGTCCTTTCATTCAAAGAAGAGCAGACTCAGCCACCCACACCACTACAGCTCAGATCGA[G>C]AAAATGACCGCAATCTCTGCCAGCACCTTGGGAAGAGAAAGAAAATGCCGAAGGCACTCA-3'
Protein context (NP_056385.1, residues 143-163): SHPHHYSSDR[Glu153Gln]NDRNLCQHLG